The following is an entry in ClinVar:

ClinVar aggregate classification (germline): Uncertain significance. Review status: criteria provided, multiple submitters, no conflicts (2 of 4 stars). 4 submissions from 4 submitters: Uncertain significance (4). Last evaluated 2026-08-19.

Conditions:
DCTN1-related disorder. Also called: DCTN1-related condition.
Perry syndrome. Also called: PARKINSONISM WITH ALVEOLAR HYPOVENTILATION AND MENTAL DEPRESSION. Identifiers: Orphanet 178509, MedGen C1868594, MONDO:0008201, OMIM 168605.
Neuronopathy, distal hereditary motor, type 7B. Also called: HMN VIIB; LOWER MOTOR NEURON DISEASE, DYNACTIN TYPE; Distal Hereditary Motor Neuronopathy Type 7B (dHMN7B); NEURONOPATHY, DISTAL HEREDITARY MOTOR, AUTOSOMAL DOMINANT 14; NEURONOPATHY, DISTAL HEREDITARY MOTOR, HARDING TYPE VIIB; NEUROPATHY, DISTAL HEREDITARY MOTOR, HARDING TYPE VIIB. Identifiers: Orphanet 139589, MedGen C1843315, MONDO:0011879, OMIM 607641.
Amyotrophic lateral sclerosis type 1 (ALS1). Also called: AMYOTROPHIC LATERAL SCLEROSIS 1, FAMILIAL. Identifiers: Orphanet 803, MedGen C1862939, MONDO:0007103, OMIM 105400.

Allele frequency attached by ClinVar (database versions not stated): ExAC 0.00003; gnomAD 0.00003 and 0.00004; TOPMed 0.00003; gnomAD exomes 0.00004.
gnomAD v4.1: 72 of 1,613,688 alleles (0.0045%); highest among the groups gnomAD compares: Middle Eastern, 0.033%; no homozygotes.

Submissions (4):

PreventionGenetics, part of Exact Sciences
Classification: Uncertain significance for DCTN1-related condition. Last evaluated: 2026-08-19. Review status: criteria provided, single submitter. Criteria: ACMG Guidelines, 2015. Collection method: clinical testing. Allele origin: germline.
Comment: The DCTN1 c.3640C>T variant is predicted to result in the amino acid substitution p.Arg1214Cys. To our knowledge, this variant has not been reported in the literature. This variant is reported in 0.0099% of alleles in individuals of Ashkenazi Jewish descent in gnomAD. At this time, the clinical significance of this variant is uncertain due to the absence of conclusive functional and genetic evidence.

Labcorp Genetics (formerly Invitae), Labcorp
Classification: Uncertain significance for Amyotrophic lateral sclerosis type 1; Neuronopathy, distal hereditary motor, type 7B; Perry syndrome. Last evaluated: 2026-01-12. Review status: criteria provided, single submitter. Criteria: Invitae Variant Classification Sherloc (09022015). Collection method: clinical testing. Allele origin: germline.
Comment: This sequence change replaces arginine, which is basic and polar, with cysteine, which is neutral and slightly polar, at codon 1214 of the DCTN1 protein (p.Arg1214Cys). This variant is present in population databases (rs759373031, gnomAD 0.01%). This variant has not been reported in the literature in individuals affected with DCTN1-related conditions. ClinVar contains an entry for this variant (Variation ID: 844403). Invitae Evidence Modeling of protein sequence and biophysical properties (such as structural, functional, and spatial information, amino acid conservation, physicochemical variation, residue mobility, and thermodynamic stability) indicates that this missense variant is not expected to disrupt DCTN1 protein function with a negative predictive value of 95%. In summary, the available evidence is currently insufficient to determine the role of this variant in disease. Therefore, it has been classified as a Variant of Uncertain Significance.

GeneDx
Classification: Uncertain significance. Last evaluated: 2022-10-13. Review status: criteria provided, single submitter. Criteria: GeneDx Variant Classification Process June 2021. Collection method: clinical testing. Allele origin: germline. Affected: yes.
Comment: In silico analysis, which includes protein predictors and evolutionary conservation, supports a deleterious effect; Has not been previously published as pathogenic or benign to our knowledge

Revvity Omics, Revvity
Classification: Uncertain significance. Last evaluated: 2022-01-28. Review status: criteria provided, single submitter. Criteria: ACMG Guidelines, 2015. Collection method: clinical testing. Allele origin: germline.

NM_004082.5(DCTN1):c.3640C>T (p.Arg1214Cys)

Gene: DCTN1 (dynactin subunit 1; minus strand). Cytogenetic location: 2p13.1.
Variant type: single nucleotide variant.
Coding change: c.3640C>T on transcript NM_004082.5 (MANE Select); coding-DNA position 3640, C replaced by T.
Protein change: p.Arg1214Cys; replaces arginine 1214 with cysteine.
Molecular consequence: missense variant. On other transcripts: non-coding transcript variant (1).
Genome position (GRCh38, 1-based): chr2:74,362,111, G>A on the plus strand (C>T on the coding strand, the complement: DCTN1 is on the minus strand). VCF-style: chr2-74362111-G-A. GRCh37 (hg19) VCF-style: chr2-74589238-G-A.
Other names: c.3565C>T, p.Arg1189Cys (NM_001135040.3); c.3223C>T, p.Arg1075Cys (NM_001135041.3); c.3514C>T, p.Arg1172Cys (NM_001190836.2); c.3619C>T, p.Arg1207Cys (NM_001190837.2); c.3589C>T, p.Arg1197Cys (NM_001378991.1); c.3571C>T, p.Arg1191Cys (NM_001378992.1); c.3238C>T, p.Arg1080Cys (NM_023019.4); short protein forms R1207C, R1214C, R1075C, R1080C, R1172C, R1189C, R1197C, R1191C.
Identifiers: ClinVar variation 844403 (VCV000844403.14), dbSNP rs759373031, ClinGen allele CA1721406.